The following is an entry in ClinVar:

GRCh38/hg38 15q14(chr15:34588015-39280404)x1

Genes: ACTC1 (actin alpha cardiac muscle 1; minus strand), AQR (aquarius intron-binding spliceosomal factor; minus strand), CDIN1 (CDAN1 interacting nuclease 1; plus strand), DPH6 (diphthamine biosynthesis 6; minus strand), DPH6-DT (DPH6 divergent transcript; plus strand) and 96 more. Cytogenetic location: 15q14.
Variant type: copy number loss.
Change: copy number 1 (one copy instead of two) of chr15:34,588,015-39,280,404 (4.69 Mb, GRCh38 coordinates, 1-based), cytogenetic band 15q14.
Identifiers: ClinVar variation 57878 (VCV000057878.1).

ClinVar aggregate classification (germline): Pathogenic (1 of 4 stars; one submission).

Submission:

ISCA site 14
Classification: Pathogenic. Last evaluated: 2011-08-12. Review status: criteria provided, single submitter. Criteria: Kaminsky et al. (Genet Med. 2011). Collection method: clinical testing. Allele origin: unknown. Affected: yes. Observed: 1 variant allele.
Comment: Copy number variation identified through the course of routine clinical cytogenomic testing in postnatal populations. Clinical assertions have been curated as described in Kaminsky et al. 2011.